The following is an entry in ClinVar:

NM_181507.2(HPS5):c.1163G>A (p.Arg388Lys)

Gene: HPS5 (HPS5 biogenesis of lysosomal organelles complex 2 subunit 2; minus strand). Cytogenetic location: 11p15.1.
Variant type: single nucleotide variant.
Coding change: c.1163G>A on transcript NM_181507.2 (MANE Select); coding-DNA position 1163, G replaced by A.
Protein change: p.Arg388Lys; replaces arginine 388 with lysine.
Molecular consequence: missense variant.
Genome position (GRCh38, 1-based): chr11:18,298,793, C>T on the plus strand (G>A on the coding strand, the complement: HPS5 is on the minus strand). VCF-style: chr11-18298793-C-T. GRCh37 (hg19) VCF-style: chr11-18320340-C-T.
Other names: c.821G>A, p.Arg274Lys (NM_007216.4, NM_181508.2); short protein forms R274K, R388K.
Identifiers: ClinVar variation 1346865 (VCV001346865.8), dbSNP rs568741411, ClinGen allele CA218543754.

ClinVar aggregate classification (germline): Uncertain significance (1 of 4 stars; one submission).

Allele frequency attached by ClinVar (database versions not stated): gnomAD exomes below 0.00001 and 0.00001; TOPMed below 0.00001; gnomAD 0.00001.
gnomAD v4.1: 8 of 1,613,920 alleles (0.0005%); highest among the groups gnomAD compares: Non-Finnish European, 0.00068%; no homozygotes.

Submission:

Labcorp Genetics (formerly Invitae), Labcorp
Classification: Uncertain significance. Last evaluated: 2021-03-26. Review status: criteria provided, single submitter. Criteria: Invitae Variant Classification Sherloc (09022015). Collection method: clinical testing. Allele origin: germline.
Comment: In summary, the available evidence is currently insufficient to determine the role of this variant in disease. Therefore, it has been classified as a Variant of Uncertain Significance. Algorithms developed to predict the effect of missense changes on protein structure and function output the following: SIFT: "Tolerated"; PolyPhen-2: "Benign"; Align-GVGD: "Class C0". The lysine amino acid residue is found in multiple mammalian species, suggesting that this missense change does not adversely affect protein function. These predictions have not been confirmed by published functional studies and their clinical significance is uncertain. This variant has not been reported in the literature in individuals with HPS5-related conditions. This variant is not present in population databases (ExAC no frequency). This sequence change replaces arginine with lysine at codon 388 of the HPS5 protein (p.Arg388Lys). The arginine residue is moderately conserved and there is a small physicochemical difference between arginine and lysine.